The following is an entry in ClinVar:

NC_000012.11:g.(?_2162719)_(2666153_?)dup

Gene: CACNA1C (calcium voltage-gated channel subunit alpha1 C; plus strand). Cytogenetic location: 12p13.33.
Variant type: Duplication.
Identifiers: ClinVar variation 1022498 (VCV001022498.1).

ClinVar aggregate classification (germline): Uncertain significance (1 of 4 stars; one submission).

Conditions:
Long QT syndrome (LQTS). Identifiers: MedGen C0023976, MeSH D008133, MONDO:0002442. Disease mechanism: loss of function. Inheritance: Various modes of inheritance.

Submission:

Labcorp Genetics (formerly Invitae), Labcorp
Classification: Uncertain significance for Long QT syndrome. Last evaluated: 2020-07-30. Review status: criteria provided, single submitter. Criteria: Invitae Variant Classification Sherloc (09022015). Collection method: clinical testing. Allele origin: germline.
Comment: This variant is a gross duplication of the genomic region encompassing exons 1-11 of the CACNA1C gene. The 5' end of this event is unknown as it extends beyond the assayed region for this gene and therefore may encompass additional genes. The 3' boundary is likely confined to intron 12 of the CACNA1C gene. This variant has not been reported in the literature in individuals with a CACNA1C-related disease. Experimental studies and prediction algorithms are not available for this variant, and the functional significance of the duplicated amino acids is currently unknown. In summary, the available evidence is currently insufficient to determine the role of this variant in disease. Therefore, it has been classified as a Variant of Uncertain Significance.